The following is an entry in ClinVar:

ClinVar aggregate classification (germline): Uncertain significance (1 of 4 stars; one submission).

Conditions:
PMM2-congenital disorder of glycosylation. Also called: PHOSPHOMANNOMUTASE 2 DEFICIENCY; CDG Ia; JAEKEN SYNDROME; CARBOHYDRATE-DEFICIENT GLYCOPROTEIN SYNDROME, TYPE Ia; Congenital disorder of glycosylation, type Ia; PMM2-CDG. Identifiers: Orphanet 79318, MedGen C0349653, MONDO:0008907, OMIM 212065.

gnomAD v4.1: 22 of 1,510,712 alleles (0.0015%); highest among the groups gnomAD compares: Admixed American, 0.043%; no homozygotes.

Submission:

3billion
Classification: Uncertain significance for PMM2-congenital disorder of glycosylation. Last evaluated: 2024-12-30. Review status: criteria provided, single submitter. Criteria: ACMG Guidelines, 2015. Collection method: clinical testing. Allele origin: germline. Affected: yes.
Comment: The variant is observed at an extremely low frequency in the gnomAD v4.1.0 dataset (total allele frequency: 0.001%). Predicted Consequence/Location: Intron variant In silico tools predict the variant to alter splicing and produce an abnormal transcript [SpliceAI: 0.21 (>=0.2, moderate evidence for spliceogenicity)]. Therefore, this variant is classified as VUS according to the recommendation of ACMG/AMP guideline.

NM_000303.3(PMM2):c.66+61G>A

Gene: PMM2 (phosphomannomutase 2; plus strand). Cytogenetic location: 16p13.2.
Variant type: single nucleotide variant.
Coding change: c.66+61G>A on transcript NM_000303.3 (MANE Select); 61 bases into the intron after coding-DNA position 66, G replaced by A.
Molecular consequence: intron variant.
Genome position (GRCh38, 1-based): chr16:8,798,009, G>A. VCF-style: chr16-8798009-G-A. GRCh37 (hg19) VCF-style: chr16-8891866-G-A.
Identifiers: ClinVar variation 4292553 (VCV004292553.1).
Genomic context (GRCh38, chr16:8,798,009, plus strand): 5'-GTAAGTGGCGGCCGGCGGGCTGCTGGCAGCCGACGCGGAGCCCGTGCTGTTCCCAGTTGG[G>A]GCTATCGACCACCCAGGGTAGGCGCCAAGGGGTGGCTAAGGACCGCCTACGTCCTCACGG-3'